The following is an entry in ClinVar:

NM_001943.5(DSG2):c.2617C>T (p.Gln873Ter)

Genes: DSG2 (desmoglein 2; plus strand), DSG2-AS1 (DSG2 antisense RNA 1; minus strand). Cytogenetic location: 18q12.1.
Variant type: single nucleotide variant.
Coding change: c.2617C>T on transcript NM_001943.5 (MANE Select); coding-DNA position 2617, C replaced by T.
Protein change: p.Gln873Ter; replaces glutamine 873 with a stop codon.
Molecular consequence: nonsense.
Genome position (GRCh38, 1-based): chr18:31,546,003, C>T. VCF-style: chr18-31546003-C-T. GRCh37 (hg19) VCF-style: chr18-29125966-C-T.
Other names: short protein forms Q873*.
Identifiers: ClinVar variation 1793874 (VCV001793874.5), dbSNP rs765347389, ClinGen allele CA402145574.

ClinVar aggregate classification (germline): Pathogenic/Likely pathogenic. Review status: criteria provided, multiple submitters, no conflicts (2 of 4 stars). 2 submissions from 2 submitters: Pathogenic (1); Likely pathogenic (1). Last evaluated 2024-03-21.

Conditions:
Cardiovascular phenotype. Identifiers: MedGen CN230736.
Arrhythmogenic right ventricular dysplasia 10. Also called: Arrhythmogenic Right Ventricular Dysplasia/Cardiomyopathy10; ARRHYTHMOGENIC RIGHT VENTRICULAR DYSPLASIA, FAMILIAL, 10; Arrhythmogenic right ventricular dysplasia/cardiomyopathy, type 10. Identifiers: MedGen C1857777, MONDO:0012434, OMIM 610193.

Submissions (2):

Labcorp Genetics (formerly Invitae), Labcorp
Classification: Pathogenic for Arrhythmogenic right ventricular dysplasia 10. Last evaluated: 2024-03-21. Review status: criteria provided, single submitter. Criteria: Invitae Variant Classification Sherloc (09022015). Collection method: clinical testing. Allele origin: germline.
Comment: This sequence change creates a premature translational stop signal (p.Gln873*) in the DSG2 gene. While this is not anticipated to result in nonsense mediated decay, it is expected to disrupt the last 246 amino acid(s) of the DSG2 protein. This variant is not present in population databases (gnomAD no frequency). This variant has not been reported in the literature in individuals affected with DSG2-related conditions. ClinVar contains an entry for this variant (Variation ID: 1793874). Algorithms developed to predict the effect of sequence changes on RNA splicing suggest that this variant may create or strengthen a splice site. This variant disrupts a region of the DSG2 protein in which other variant(s) (p.Glu1020Alafs*18) have been determined to be pathogenic (PMID: 20864495, 21397041, 23381804). This suggests that this is a clinically significant region of the protein, and that variants that disrupt it are likely to be disease-causing. For these reasons, this variant has been classified as Pathogenic.

Ambry Genetics
Classification: Likely pathogenic for Cardiovascular phenotype. Last evaluated: 2016-08-04. Review status: criteria provided, single submitter. Criteria: Ambry Variant Classification Scheme 2023. Collection method: clinical testing. Allele origin: germline.
Comment: The p.Q873* variant (also known as c.2617C>T), located in coding exon 15 of the DSG2 gene, results from a C to T substitution at nucleotide position 2617. This changes the amino acid from a glutamine to a stop codon within coding exon 15. Premature stop codons are typically deleterious in nature; however, since this stop codon occurs in the last exon, it is not expected to trigger nonsense-mediated mRNA decay and impacts only the last 247 amino acids of the protein. The exact functional impact of these removed amino acids is unknown at this time; however, the C-terminal region of DSG2 has been implicated in protein stabilization at the cell surface and in tail-tail interactions (Chen J et al. J Cell Biol. 2012;199(4):699-711). In addition, frameshift and premature truncating alterations beyond this position (e.g., c.3059_3062delAGAG, p.E1020Afs*18) have been reported in association with arrhythmogenic right ventricular dysplasia/cardiomyopathy (ARVD/C) (Christensen AH et al. J Med Genet. 2010;47(11):736-44). This variant was not reported in population based cohorts in the following databases: Database of Single Nucleotide Polymorphisms (dbSNP), NHLBI Exome Sequencing Project (ESP), and 1000 Genomes Project. In the ESP, this variant was not observed in 5956 samples (11912 alleles) with coverage at this position. Based on the majority of available evidence to date, this variant is likely to be pathogenic.

Literature cited by the submitters: PubMed 20864495 (cited by Labcorp Genetics (formerly Invitae), Labcorp and Ambry Genetics); PubMed 21397041 (cited by Labcorp Genetics (formerly Invitae), Labcorp); PubMed 23381804 (cited by Labcorp Genetics (formerly Invitae), Labcorp); PubMed 23128240 (cited by Ambry Genetics).